The following is an entry in ClinVar:

ClinVar aggregate classification (germline): Likely benign (1 of 4 stars; one submission).

Allele frequency attached by ClinVar (database versions not stated): gnomAD exomes 0.00244; gnomAD 0.00940; TOPMed 0.01098; 1000 Genomes Project 0.01138; 1000 Genomes Project 30x 0.01249.

Submission:

GeneDx
Classification: Likely benign. Last evaluated: 2021-10-09. Review status: criteria provided, single submitter. Criteria: GeneDx Variant Classification Process June 2021. Collection method: clinical testing. Allele origin: germline. Affected: yes.
Comment: See Variant Classification Assertion Criteria.

NC_000014.9:g.74498031G>A

Gene: LTBP2 (latent transforming growth factor beta binding protein 2; minus strand). Cytogenetic location: 14q24.3.
Variant type: single nucleotide variant.
Genome position: GRCh38 VCF-style: chr14-74498031-G-A. GRCh37 (hg19) VCF-style: chr14-74964734-G-A.
Identifiers: ClinVar variation 1706775 (VCV001706775.3), dbSNP rs114088127, ClinGen allele CA263575055.